The following is an entry in ClinVar:

ClinVar aggregate classification (germline): Likely pathogenic (1 of 4 stars; one submission).

Conditions:
Wiedemann-Steiner syndrome (WDSTS). Also called: Growth deficiency and mental retardation with facial dysmorphism. Identifiers: Orphanet 319182, MedGen C1854630, MONDO:0011518, OMIM 605130.

Submission:

New York Genome Center
Classification: Likely pathogenic for Wiedemann-Steiner syndrome. Last evaluated: 2020-11-12. Review status: criteria provided, single submitter. Criteria: NYGC Assertion Criteria 2020. Collection method: clinical testing. Allele origin: germline. Observed: 1 heterozygote. Study: CSER-NYCKidSeq.
Comment: The heterozygous c.4333-2A>G splice site variant identified in the KMT2A gene has not been reported in affected individuals, however a different de novo variant affecting the same nucleotide (c.4333-2A>C) has been reported in a patient affected with KMT2A-related developmental disorder [PMID: 29276005.]. The c.4333-2A>G variant affects the canonical splice accepter site inintron 10 (of 35)of KMT2A, is expected to disrupt normal mRNA splicing and is predicted to result in an absent or disrupted protein product. Variants affecting the canonical splice sites generally result in loss-of-function, which is thesuggested mechanism of disease for KMT2A-related disorders [PMID:28359930]. Based on the available evidence, the heterozygous c.4333-2A>Gsplice site variant in the KMT2A gene is reported as Likely Pathogenic.

NM_001197104.2(KMT2A):c.4333-2A>G

Gene: KMT2A (lysine methyltransferase 2A; plus strand). Cytogenetic location: 11q23.3.
Variant type: single nucleotide variant.
Coding change: c.4333-2A>G on transcript NM_001197104.2 (MANE Select); the canonical splice acceptor site of the intron before coding-DNA position 4333, A replaced by G.
Molecular consequence: splice acceptor variant.
Genome position (GRCh38, 1-based): chr11:118,488,612, A>G. VCF-style: chr11-118488612-A-G. GRCh37 (hg19) VCF-style: chr11-118359327-A-G.
Other names: c.4432-2A>G (NM_001412597.1); c.4333-2A>G (NM_005933.4).
Identifiers: ClinVar variation 1213752 (VCV001213752.1), dbSNP rs2134327570, ClinGen allele CA382831625.